The following is an entry in ClinVar:

NM_001367624.2(ZNF469):c.1691G>T (p.Gly564Val)

Gene: ZNF469 (zinc finger protein 469; plus strand). Cytogenetic location: 16q24.2.
Variant type: single nucleotide variant.
Coding change: c.1691G>T on transcript NM_001367624.2 (MANE Select); coding-DNA position 1691, G replaced by T.
Protein change: p.Gly564Val; replaces glycine 564 with valine.
Molecular consequence: missense variant.
Genome position (GRCh38, 1-based): chr16:88,429,161, G>T. VCF-style: chr16-88429161-G-T. GRCh37 (hg19) VCF-style: chr16-88495569-G-T.
Other names: NM_001127464.1:c.1691G>T; short protein forms G564V.
Identifiers: ClinVar variation 1778144 (VCV001778144.2), dbSNP rs1905931821, ClinGen allele CA397068099.
Genomic context (GRCh38, chr16:88,429,161, plus strand): 5'-CCCCAGCACTGTTCACCTACAACGGAATGACAGACCCTGGGGCTCAGCCCCTGTTCTTCG[G>T]GGTGGCCCAGCCCCAGGTTTCACCCCACGGGACACCCAGCCTGCCCCCACCGAGGGTAGT-3'
Protein context (NP_001354553.1, residues 554-574): TDPGAQPLFF[Gly564Val]VAQPQVSPHG

ClinVar aggregate classification (germline): Uncertain significance (1 of 4 stars; one submission).

Conditions:
Cardiovascular phenotype. Identifiers: MedGen CN230736.

Allele frequency attached by ClinVar (database versions not stated): TOPMed below 0.00001; gnomAD 0.00001.
gnomAD v4.1: 2 of 1,549,794 alleles (0.00013%); highest among the groups gnomAD compares: African/African-American, 0.0027%; no homozygotes.

Submission:

Ambry Genetics
Classification: Uncertain significance for Cardiovascular phenotype. Last evaluated: 2022-04-04. Review status: criteria provided, single submitter. Criteria: Ambry Variant Classification Scheme 2023. Collection method: clinical testing. Allele origin: germline.
Comment: The p.G564V variant (also known as c.1691G>T), located in coding exon 1 of the ZNF469 gene, results from a G to T substitution at nucleotide position 1691. The glycine at codon 564 is replaced by valine, an amino acid with dissimilar properties. This amino acid position is conserved. In addition, this alteration is predicted to be tolerated by in silico analysis. Since supporting evidence is limited at this time, the clinical significance of this alteration remains unclear.